The following is an entry in ClinVar:

ClinVar aggregate classification (germline): Pathogenic. Review status: criteria provided, multiple submitters, no conflicts (2 of 4 stars). 3 submissions from 3 submitters: Pathogenic (2). 1 of the submissions does not count toward it. Last evaluated 2025-03-21.

Conditions:
CYP21A2-related disorder. Also called: CYP21A2-related condition.
21-Hydroxylase-Deficient Congenital Adrenal Hyperplasia. Also called: ADRENAL HYPERPLASIA, CONGENITAL, DUE TO 21-HYDROXYLASE DEFICIENCY; ADRENAL HYPERPLASIA III. Identifiers: MedGen C2936858, OMIM 201910.

Allele frequency attached by ClinVar (database versions not stated): gnomAD exomes below 0.00001 and 0.00001; TOPMed below 0.00001; gnomAD 0.00001.

Submissions (3):

PreventionGenetics, part of Exact Sciences
Classification: Pathogenic for CYP21A2-related condition. Last evaluated: 2025-03-21. Review status: criteria provided, single submitter. Criteria: ACMG Guidelines, 2015. Collection method: clinical testing. Allele origin: germline.
Comment: The CYP21A2 c.1217G>A variant is predicted to result in premature protein termination (p.Trp406*). As a nonsense variant resulting in a null allele, this variant has been reported to be associated with salt-wasting (SW) congenital adrenal hyperplasia (CAH) (also known as W405X; see for example, Wedell et al. 1993. PubMed ID: 8518786; Zhao et al. 2012. PubMed ID: 22262854). This variant is reported in 0.00094% of alleles in individuals of European (Non-Finnish) descent in gnomAD. This variant falls within a highly paralogous region. Allele frequency data should be interpreted with caution. Nonsense variants in CYP21A2 are expected to be pathogenic. This variant is interpreted as pathogenic.

Labcorp Genetics (formerly Invitae), Labcorp
Classification: Pathogenic. Last evaluated: 2023-09-03. Review status: criteria provided, single submitter. Criteria: Invitae Variant Classification Sherloc (09022015). Collection method: clinical testing. Allele origin: germline.
Comment: The frequency data for this variant in the population databases (gnomAD) is considered unreliable due to the presence of homologous sequence, such as pseudogenes or paralogs, in the genome. This premature translational stop signal has been observed in individuals with classic salt-wasting congenital adrenal hyperplasia due to 21-hydroxylase deficiency (PMID: 8518786, 20926536, 23359698). This variant is also known as p.W405X. ClinVar contains an entry for this variant (Variation ID: 12171). This variant disrupts a region of the CYP21A2 protein in which other variant(s) (p.Gln482*) have been determined to be pathogenic (PMID: 24799024, 30048636; Invitae). This suggests that this is a clinically significant region of the protein, and that variants that disrupt it are likely to be disease-causing. For these reasons, this variant has been classified as Pathogenic. This sequence change creates a premature translational stop signal (p.Trp406*) in the CYP21A2 gene. While this is not anticipated to result in nonsense mediated decay, it is expected to disrupt the last 90 amino acid(s) of the CYP21A2 protein.

OMIM
Classification: Pathogenic for ADRENAL HYPERPLASIA, CONGENITAL, DUE TO 21-HYDROXYLASE DEFICIENCY, SALT-WASTING TYPE. Last evaluated: 1993-05-01. Review status: no assertion criteria provided. Collection method: literature only. Allele origin: germline. Not counted in ClinVar's aggregate classification.

Literature cited by the submitters: PubMed 8518786 (cited by Labcorp Genetics (formerly Invitae), Labcorp and OMIM); PubMed 20926536 (cited by Labcorp Genetics (formerly Invitae), Labcorp); PubMed 23359698 (cited by Labcorp Genetics (formerly Invitae), Labcorp); PubMed 24799024 (cited by Labcorp Genetics (formerly Invitae), Labcorp); PubMed 30048636 (cited by Labcorp Genetics (formerly Invitae), Labcorp).

NM_000500.9(CYP21A2):c.1217G>A (p.Trp406Ter)

Genes: CYP21A2 (cytochrome P450 family 21 subfamily A member 2; plus strand), LOC106780800 (CYP21A2 recombination region; plus strand). Cytogenetic location: 6p21.33.
Variant type: single nucleotide variant.
Coding change: c.1217G>A on transcript NM_000500.9 (MANE Select); coding-DNA position 1217, G replaced by A.
Protein change: p.Trp406Ter; replaces tryptophan 406 with a stop codon.
Molecular consequence: nonsense.
Genome position (GRCh38, 1-based): chr6:32,040,766, G>A. VCF-style: chr6-32040766-G-A. GRCh37 (hg19) VCF-style: chr6-32008543-G-A.
Other names: c.1127G>A, p.Trp376Ter (NM_001128590.4); c.812G>A, p.Trp271Ter (NM_001368143.2, NM_001368144.2); c.1217G>A (NM_000500.7); short protein forms W406*, W271*, W376*.
Identifiers: ClinVar variation 12171 (VCV000012171.9), dbSNP rs151344503, ClinGen allele CA256234.
Genomic context (GRCh38, chr6:32,040,766, plus strand): 5'-TTCCGAACCTCCAAGGCGCCCACCTGGATGAGACGGTCTGGGAGAGGCCACATGAGTTCT[G>A]GCCTGGTATGTGGGGGGCCGGGGGCCTGCCGTGAAAATGTGGTGGAGGCTGGTCCCCGCT-3'